The following is an entry in ClinVar:

ClinVar aggregate classification (germline): Conflicting classifications of pathogenicity. Review status: criteria provided, conflicting classifications (1 of 4 stars). 4 submissions from 4 submitters: Uncertain significance (1); Likely benign (2). 1 of the submissions does not count toward it. Last evaluated 2026-09-01.

Conditions:
Hypophosphatasia. Also called: Phosphoethanol-aminuria. Identifiers: Orphanet 436, MedGen C0020630, MeSH D007014, MONDO:0018570.

Allele frequency attached by ClinVar (database versions not stated): gnomAD exomes 0.00003 and 0.00013; gnomAD 0.00004 and 0.00006; TOPMed 0.00008; ExAC 0.00014; 1000 Genomes Project 0.00060; 1000 Genomes Project 30x 0.00062.
gnomAD v4.1: 47 of 1,613,968 alleles (0.0029%); highest among the groups gnomAD compares: East Asian, 0.1%; no homozygotes.

Submissions (4):

Genomenon, Inc
Classification: Likely benign for Hypophosphatasia. Last evaluated: 2026-09-01. Review status: criteria provided, single submitter. Criteria: Genomenon Sequence Variant Interpretation Standards - Updated. Collection method: curation. Allele origin: germline. Affected: no.
Comment: ALPL p.Ala133Gly (c.398C>G) is a missense variant that changes the amino acid at codon 133 from Alanine to Glycine. This variant has been reported in the published literature (PMID:38737102;32160374). This variant's allele frequency in gnomAD is greater than expected for this disorder. In conclusion, we classify ALPL p.Ala133Gly (c.398C>G) as a likely benign variant.

Labcorp Genetics (formerly Invitae), Labcorp
Classification: Likely benign. Last evaluated: 2025-10-24. Review status: criteria provided, single submitter. Criteria: Invitae Variant Classification Sherloc (09022015). Collection method: clinical testing. Allele origin: germline.

Eurofins Ntd Llc (ga)
Classification: Uncertain significance. Last evaluated: 2014-10-20. Review status: criteria provided, single submitter. Criteria: EGL Classification Definitions 2015. Collection method: clinical testing. Allele origin: germline. Observed: 1 variant allele, 1 heterozygote.

Natera, Inc.
Classification: Likely benign for Hypophosphatasia. Last evaluated: 2021-01-09. Review status: no assertion criteria provided. Collection method: clinical testing. Allele origin: germline. Not counted in ClinVar's aggregate classification.

Literature cited by the submitters: PubMed 38737102 (cited by Genomenon, Inc); PubMed 32160374 (cited by Genomenon, Inc).

NM_000478.6(ALPL):c.398C>G (p.Ala133Gly)

Gene: ALPL (alkaline phosphatase, biomineralization associated; plus strand). Cytogenetic location: 1p36.12.
Variant type: single nucleotide variant.
Coding change: c.398C>G on transcript NM_000478.6 (MANE Select); coding-DNA position 398, C replaced by G.
Protein change: p.Ala133Gly; replaces alanine 133 with glycine.
Molecular consequence: missense variant.
Genome position (GRCh38, 1-based): chr1:21,563,210, C>G. VCF-style: chr1-21563210-C-G. GRCh37 (hg19) VCF-style: chr1-21889703-C-G.
Other names: c.233C>G, p.Ala78Gly (NM_001127501.4); c.167C>G, p.Ala56Gly (NM_001177520.3); c.398C>G, p.Ala133Gly (NM_001369803.2, NM_001369804.2, NM_001369805.2); short protein forms A133G, A56G, A78G.
Identifiers: ClinVar variation 197676 (VCV000197676.17), dbSNP rs184095519, ClinGen allele CA245945.
Genomic context (GRCh38, chr1:21,563,210, plus strand): 5'-CCGCCACCGCCTACCTGTGTGGGGTGAAGGCCAATGAGGGCACCGTGGGGGTAAGCGCAG[C>G]CACTGAGCGTTCCCGGTGCAACACCACCCAGGGGAACGAGGTCACCTCCATCCTGCGCTG-3'
Protein context (NP_000469.3, residues 123-143): ANEGTVGVSA[Ala133Gly]TERSRCNTTQ